The following is an entry in ClinVar:

NM_000443.4(ABCB4):c.3691C>T (p.His1231Tyr)

Gene: ABCB4 (ATP binding cassette subfamily B member 4; minus strand). Cytogenetic location: 7q21.12.
Variant type: single nucleotide variant.
Coding change: c.3691C>T on transcript NM_000443.4 (MANE Select); coding-DNA position 3691, C replaced by T.
Protein change: p.His1231Tyr; replaces histidine 1231 with tyrosine.
Molecular consequence: missense variant.
Genome position (GRCh38, 1-based): chr7:87,402,245, G>A on the plus strand (C>T on the coding strand, the complement: ABCB4 is on the minus strand). VCF-style: chr7-87402245-G-A. GRCh37 (hg19) VCF-style: chr7-87031561-G-A.
Other names: c.3712C>T, p.His1238Tyr (NM_018849.3); c.3550C>T, p.His1184Tyr (NM_018850.3); c.3691C>T (NM_000443.3); short protein forms H1184Y, H1231Y, H1238Y.
Identifiers: ClinVar variation 4846488 (VCV004846488.2).

ClinVar aggregate classification (germline): Likely pathogenic. Review status: criteria provided, multiple submitters, no conflicts (2 of 4 stars). 2 submissions from 2 submitters: Likely pathogenic (2). Last evaluated 2026-04-14.

Conditions:
ABCB4-related disorder. Also called: ABCB4-related disorders; ABCB4-related condition.
Familial intrahepatic cholestasis. Identifiers: Orphanet 284385, MedGen CN296401, MONDO:0017290.

Submissions (2):

Genomenon, Inc
Classification: Likely pathogenic for Familial intrahepatic cholestasis. Last evaluated: 2026-04-14. Review status: criteria provided, single submitter. Criteria: Genomenon Sequence Variant Interpretation Standards - Updated. Collection method: curation. Allele origin: germline. Affected: yes.
Comment: ABCB4 p.His1231Tyr (c.3691C>T) is a missense variant that changes the amino acid at residue 1231 from Histidine to Tyrosine. This variant has been observed in at least one proband with an ABCB4-related disorder (PMID:31886153;22766396). The variant was found to segregate with disease in at least one affected family (PMID:31886153). At least one functional study has demonstrated a substantial alteration in protein function relative to the wild-type (PMID:36674751). It is absent or not present at a significant frequency in gnomAD. In silico models predict that this variant is possibly or probably damaging. In conclusion, we classify ABCB4 p.His1231Tyr (c.3691C>T) as a likely pathogenic variant.

PreventionGenetics, part of Exact Sciences
Classification: Likely pathogenic for ABCB4-related condition. Last evaluated: 2025-09-24. Review status: criteria provided, single submitter. Criteria: ACMG Guidelines, 2015. Collection method: clinical testing. Allele origin: germline.
Comment: The ABCB4 c.3691C>T variant is predicted to result in the amino acid substitution p.His1231Tyr. This variant was reported in the homozygous state in an individual with familial progressive intrahepatic cholestasis (Dzagania et al. 2012. PubMed ID: 22766396). An in vitro study demonstrated that this variant results in impaired phosphatidylcholine secretion (Delaunay et al. 2023. PubMed ID: 36674751). This variant has not been reported in a large population database (gnomAD), indicating this variant is rare. This variant is interpreted as likely pathogenic.

Literature cited by the submitters: PubMed 31886153 (cited by Genomenon, Inc); PubMed 22766396 (cited by Genomenon, Inc); PubMed 36674751 (cited by Genomenon, Inc).